The following is an entry in ClinVar:

ClinVar aggregate classification (germline): Pathogenic. Review status: criteria provided, multiple submitters, no conflicts (2 of 4 stars). 3 submissions from 3 submitters: Pathogenic (2). 1 of the submissions does not count toward it. Last evaluated 2018-12-16.

Conditions:
Mitochondrial complex III deficiency nuclear type 8. Identifiers: MedGen C4014440, MONDO:0014364, OMIM 615838.

Submissions (3):

GeneDx
Classification: Pathogenic. Last evaluated: 2018-12-16. Review status: criteria provided, single submitter. Criteria: GeneDx Variant Classification (06012015). Collection method: clinical testing. Allele origin: germline. Affected: yes.
Comment: The c.37delA variant has been published previously in a patient with leukoencephalopathy and mitochondrial complex III deficiency (Dallabona et al. 2016). The c.37delA variant is not observed in large population cohorts (Lek et al., 2016). The deletion causes a frameshift starting with codon Threonine 13, changes this amino acid to a Histidine residue and creates a premature Stop codon at position 17 of the new reading frame, denoted p.Thr13HisfsX17. This variant is predicted to cause loss of normal protein function either through protein truncation or nonsense-mediated mRNA decay. In summary, we interpret c.37delA as pathogenic.

Eurofins Ntd Llc (ga)
Classification: Pathogenic. Last evaluated: 2017-07-10. Review status: criteria provided, single submitter. Criteria: EGL Classification Definitions 2015. Collection method: clinical testing. Allele origin: germline.

OMIM
Classification: Pathogenic for MITOCHONDRIAL COMPLEX III DEFICIENCY, NUCLEAR TYPE 8. Last evaluated: 2018-11-27. Review status: no assertion criteria provided. Collection method: literature only. Allele origin: germline. Not counted in ClinVar's aggregate classification.

Literature cited by the submitters: PubMed 26912632 (cited by OMIM).

NM_181705.4(LYRM7):c.37del (p.Thr13fs)

Gene: LYRM7 (LYR motif containing 7; plus strand). Cytogenetic location: 5q23.3.
Variant type: Deletion.
Coding change: c.37del on transcript NM_181705.4 (MANE Select); coding-DNA position 37, one base deleted (A; older notation c.37delA).
Protein change: p.Thr13fs; shifts the reading frame from threonine 13.
Molecular consequence: frameshift variant. On other transcripts: non-coding transcript variant (1).
Genome position (GRCh38, 1-based): chr5:131,180,113, A deleted; the last of 4 consecutive A bases (chr5:131,180,110-131,180,113); deleting any one gives the same sequence. VCF-style (leftmost placement, unchanged base first): chr5-131180109-TA-T. GRCh37 (hg19) VCF-style: chr5-130515802-TA-T.
Other names: c.37del, p.Thr13fs (NM_001293735.2); short protein forms T13fs.
Identifiers: ClinVar variation 223137 (VCV000223137.7), dbSNP rs869025605, ClinGen allele CA352195.
Genomic context (GRCh38, chr5:131,180,109, plus strand): 5'-GGCATGAGCCACTGTGCCCAACCTTGAATTCTGATTTTCTTAACAGGTTTTACAGCTCTT[TA>T]AAACACTGCACAGGACCAGACAACAAGTTTTTAAAAATGATGCCAGAGCATTAGAAGGTA-3'